The following is an entry in ClinVar:

ClinVar aggregate classification (germline): Pathogenic/Likely pathogenic. Review status: criteria provided, multiple submitters, no conflicts (2 of 4 stars). 2 submissions from 2 submitters: Pathogenic (1); Likely pathogenic (1). Last evaluated 2025-12-01.

Conditions:
ALG12-congenital disorder of glycosylation (CDG1G). Also called: ALG12-CDG; Congenital disorder of glycosylation, type Ig; CDG Ig. Identifiers: Orphanet 79324, MedGen C2931001, MONDO:0011783, OMIM 607143.

Submissions (2):

Labcorp Genetics (formerly Invitae), Labcorp
Classification: Pathogenic for ALG12-congenital disorder of glycosylation. Last evaluated: 2025-12-01. Review status: criteria provided, single submitter. Criteria: Invitae Variant Classification Sherloc (09022015). Collection method: clinical testing. Allele origin: germline.
Comment: This sequence change creates a premature translational stop signal (p.Gln386Profs*9) in the ALG12 gene. It is expected to result in an absent or disrupted protein product. Loss-of-function variants in ALG12 are known to be pathogenic (PMID: 15639192, 31481313). The frequency data for this variant in the population databases is considered unreliable, as metrics indicate poor data quality at this position in the gnomAD database. This variant has not been reported in the literature in individuals affected with ALG12-related conditions. ClinVar contains an entry for this variant (Variation ID: 1069034). For these reasons, this variant has been classified as Pathogenic.

Women's Health and Genetics/Laboratory Corporation of America, LabCorp
Classification: Likely pathogenic for ALG12-congenital disorder of glycosylation. Last evaluated: 2022-05-01. Review status: criteria provided, single submitter. Criteria: LabCorp Variant Classification Summary - May 2015. Collection method: clinical testing. Allele origin: germline.
Comment: Variant summary: ALG12 c.1156dupC (p.Gln386ProfsX9) results in a premature termination codon, predicted to cause a truncation of the encoded protein or absence of the protein due to nonsense mediated decay, which are commonly known mechanisms for disease. Truncations downstream of this position have been listed in association with Congenital Disorder Of Glycosylation in the HGMD database. The variant allele was found at a frequency of 4e-05 in 250422 control chromosomes. This frequency does not allow conclusions about variant significance. To our knowledge, no occurrence of c.1156dupC in individuals affected with ALG12-Congenital Disorder Of Glycosylation and no experimental evidence demonstrating its impact on protein function have been reported. One clinical diagnostic laboratory has submitted clinical-significance assessments for this variant to ClinVar after 2014 and classified the variant as pathogenic. Based on the evidence outlined above, the variant was classified as likely pathogenic.

Literature cited by the submitters: PubMed 15639192 (cited by Labcorp Genetics (formerly Invitae), Labcorp); PubMed 31481313 (cited by Labcorp Genetics (formerly Invitae), Labcorp).

NM_024105.4(ALG12):c.1156dup (p.Gln386fs)

Gene: ALG12 (ALG12 alpha-1,6-mannosyltransferase; minus strand). Cytogenetic location: 22q13.33.
Variant type: Duplication.
Coding change: c.1156dup on transcript NM_024105.4 (MANE Select); coding-DNA position 1156, one base duplicated (C; older notation c.1156dupC).
Protein change: p.Gln386fs; shifts the reading frame from glutamine 386.
Molecular consequence: frameshift variant.
Genome position (GRCh38, 1-based): chr22:49,904,343, G duplicated on the plus strand (C on the coding strand, the reverse complement: ALG12 is on the minus strand); the first of 7 consecutive G bases (chr22:49,904,343-49,904,349); duplicating any one gives the same sequence. VCF-style (leftmost placement, unchanged base first): chr22-49904342-T-TG. GRCh37 (hg19) VCF-style: chr22-50297990-T-TG.
Other names: short protein forms Q386fs.
Identifiers: ClinVar variation 1069034 (VCV001069034.8), dbSNP rs770711819, ClinGen allele CA10300328.